The following is an entry in ClinVar:

Single allele

Variant type: Duplication.
Identifiers: ClinVar variation 560099 (VCV000560099.3).

ClinVar aggregate classification (germline): Uncertain significance (1 of 4 stars; one submission).

Submission:

Geisinger Autism and Developmental Medicine Institute, Geisinger Health System
Classification: Uncertain significance. Last evaluated: 2018-03-16. Review status: criteria provided, single submitter. Criteria: ACMG CNV Guidelines, 2011. Collection method: provider interpretation. Allele origin: paternal.
Comment: This duplication includes portions of the SHOX and PPP2R3B genes. Nonsense variants and deletions of SHOX have been reported in individuals with idiopathic short stature and Leri-Weill dyschondrosteosis (Huber et al. 2001; Niesler et al. 2002; Rappold et al. 2002). Partial or complete duplications of SHOX and/or its enhancer regions have also been reported in patients with these conditions (Thomas et al. 2009; Benito-Sanz et al. 2011). Duplications of SHOX have also been reported in individuals with tall stature. Tropeano et al. 2016 identified an enrichment of SHOX microduplications in individuals with neurodevelopmental disorders including autism sprectrum disorders compared to controls.

Literature cited by the submitters: PubMed 19533800; PubMed 21147883; PubMed 11889216; PubMed 12402330; PubMed 11403039; PubMed 27073233.